The following is an entry in ClinVar:

ClinVar aggregate classification (germline): Uncertain significance. Review status: criteria provided, multiple submitters, no conflicts (2 of 4 stars). 3 submissions from 3 submitters: Uncertain significance (3). Last evaluated 2025-10-23.

Conditions:
RHO-related disorder. Also called: RHO-related condition.

gnomAD v4.1: 7 of 1,613,844 alleles (0.00043%); highest among the groups gnomAD compares: East Asian, 0.013%; no homozygotes.

Submissions (3):

PreventionGenetics, part of Exact Sciences
Classification: Uncertain significance for RHO-related condition. Last evaluated: 2025-10-23. Review status: criteria provided, single submitter. Criteria: ACMG Guidelines, 2015. Collection method: clinical testing. Allele origin: germline.
Comment: The RHO c.628G>T variant is predicted to result in the amino acid substitution p.Val210Phe. This variant was reported in individuals with retinitis pigmentosa (see, for example, Li et al. 2010. PubMed ID: 20832389; supplementary data, Huang et al. 2014. PubMed ID: 25356976; supplementary data, Gao et al. 2019. PubMed ID: 31054281; Luo et al. 2020. PubMed ID: 33347869; supplementary data, Chen et al. 2021. PubMed ID: 33608557). However, this variant was also described in unaffected individuals (Luo et al. 2020. PubMed ID: 33347869). This variant is reported in 0.016% of alleles in individuals of East Asian descent in gnomAD. At this time, the clinical significance of this variant is uncertain due to the absence of conclusive functional and genetic evidence.

Labcorp Genetics (formerly Invitae), Labcorp
Classification: Uncertain significance. Last evaluated: 2024-09-30. Review status: criteria provided, single submitter. Criteria: Invitae Variant Classification Sherloc (09022015). Collection method: clinical testing. Allele origin: germline.
Comment: This sequence change replaces valine, which is neutral and non-polar, with phenylalanine, which is neutral and non-polar, at codon 210 of the RHO protein (p.Val210Phe). This variant is present in population databases (rs768616082, gnomAD 0.02%). This missense change has been observed in individuals with autosomal dominant retinis pigmentosa (PMID: 20832389, 25356976, 33608557). Invitae Evidence Modeling of protein sequence and biophysical properties (such as structural, functional, and spatial information, amino acid conservation, physicochemical variation, residue mobility, and thermodynamic stability) indicates that this missense variant is not expected to disrupt RHO protein function with a negative predictive value of 80%. In summary, the available evidence is currently insufficient to determine the role of this variant in disease. Therefore, it has been classified as a Variant of Uncertain Significance.

Blueprint Genetics
Classification: Uncertain significance. Last evaluated: 2022-06-16. Review status: criteria provided, single submitter. Criteria: ACMG Guidelines, 2015. Collection method: clinical testing. Allele origin: germline.

Literature cited by the submitters: PubMed 20832389 (cited by Labcorp Genetics (formerly Invitae), Labcorp); PubMed 25356976 (cited by Labcorp Genetics (formerly Invitae), Labcorp); PubMed 33608557 (cited by Labcorp Genetics (formerly Invitae), Labcorp).

NM_000539.3(RHO):c.628G>T (p.Val210Phe)

Gene: RHO (rhodopsin; plus strand). Cytogenetic location: 3q22.1.
Variant type: single nucleotide variant.
Coding change: c.628G>T on transcript NM_000539.3 (MANE Select); coding-DNA position 628, G replaced by T.
Protein change: p.Val210Phe; replaces valine 210 with phenylalanine.
Molecular consequence: missense variant.
Genome position (GRCh38, 1-based): chr3:129,532,348, G>T. VCF-style: chr3-129532348-G-T. GRCh37 (hg19) VCF-style: chr3-129251191-G-T.
Other names: short protein forms V210F.
Identifiers: ClinVar variation 3650095 (VCV003650095.4).